The following is an entry in ClinVar:

NM_004006.3(DMD):c.4059A>T (p.Glu1353Asp)

Gene: DMD (dystrophin; minus strand). Cytogenetic location: Xp21.1.
Variant type: single nucleotide variant.
Coding change: c.4059A>T on transcript NM_004006.3 (MANE Select); coding-DNA position 4059, A replaced by T.
Protein change: p.Glu1353Asp; replaces glutamic acid 1353 with aspartic acid.
Molecular consequence: missense variant.
Genome position (GRCh38, 1-based): chrX:32,438,253, T>A on the plus strand (A>T on the coding strand, the complement: DMD is on the minus strand). VCF-style: chrX-32438253-T-A. GRCh37 (hg19) VCF-style: chrX-32456370-T-A.
Other names: c.4035A>T, p.Glu1345Asp (NM_000109.4); c.4047A>T, p.Glu1349Asp (NM_004009.3); c.3690A>T, p.Glu1230Asp (NM_004010.3); short protein forms E1353D, E1230D, E1345D, E1349D.
Identifiers: ClinVar variation 956673 (VCV000956673.4), dbSNP rs1287715135, ClinGen allele CA412669224.
Genomic context (GRCh38, chrX:32,438,253, plus strand): 5'-TACATTAATGCAAATTAGATTAAAGAGATTTTTCACTTATCTTCATACCTCTTCATGTAG[T>A]TCCCTCCAACGAGAATTAAATGTCTCAAGTTCCTCATTGATTAGCTCATCCATGACTCCG-3'
Protein context (NP_003997.2, residues 1343-1363): ELETFNSRWR[Glu1353Asp]LHEEAVRRQK

ClinVar aggregate classification (germline): Uncertain significance. Review status: criteria provided, single submitter (1 of 4 stars). 2 submissions from 2 submitters: Uncertain significance (1). 1 of the submissions does not count toward it. Last evaluated 2021-08-27.

Conditions:
Duchenne muscular dystrophy (DMD). Also called: MUSCULAR DYSTROPHY, PSEUDOHYPERTROPHIC PROGRESSIVE, DUCHENNE TYPE; Duchenne Muscular Dystrophy (DMD). Identifiers: Orphanet 98896, MedGen C0013264, MONDO:0010679, OMIM 310200.
Dystrophin deficiency.
Becker muscular dystrophy (BMD). Also called: MUSCULAR DYSTROPHY, PSEUDOHYPERTROPHIC PROGRESSIVE, BECKER TYPE; Becker Muscular Dystrophy (BMD). Identifiers: Orphanet 98895, MedGen C0917713, MONDO:0010311, OMIM 300376.
Cardiomyopathy (CMYO). Also called: Cardiomyopathies. Identifiers: Orphanet 167848, MedGen C0878544, MONDO:0004994, HP:0001638. Inheritance: Various modes of inheritance.

gnomAD v4.1: 4 of 1,211,275 alleles (0.00033%); highest among the groups gnomAD compares: Middle Eastern, 0.092%; no homozygotes.

Submissions (2):

Labcorp Genetics (formerly Invitae), Labcorp
Classification: Uncertain significance for Duchenne muscular dystrophy. Last evaluated: 2021-08-27. Review status: criteria provided, single submitter. Criteria: Invitae Variant Classification Sherloc (09022015). Collection method: clinical testing. Allele origin: germline.
Comment: This sequence change replaces glutamic acid with aspartic acid at codon 1353 of the DMD protein (p.Glu1353Asp). The glutamic acid residue is highly conserved and there is a small physicochemical difference between glutamic acid and aspartic acid. This variant is not present in population databases (ExAC no frequency). This variant has not been reported in the literature in individuals affected with DMD-related conditions. Algorithms developed to predict the effect of missense changes on protein structure and function output the following: SIFT: "Tolerated"; PolyPhen-2: "Possibly Damaging"; Align-GVGD: "Class C15". The aspartic acid amino acid residue is found in multiple mammalian species, which suggests that this missense change does not adversely affect protein function. In summary, the available evidence is currently insufficient to determine the role of this variant in disease. Therefore, it has been classified as a Variant of Uncertain Significance.

Natera, Inc.
Classification: Uncertain significance for Becker muscular dystrophy; Cardiomyopathy; Duchenne muscular dystrophy; Dystrophin deficiency. Last evaluated: 2020-02-26. Review status: no assertion criteria provided. Collection method: clinical testing. Allele origin: germline. Not counted in ClinVar's aggregate classification.